The following is an entry in ClinVar:

ClinVar aggregate classification (germline): Uncertain significance. Review status: criteria provided, multiple submitters, no conflicts (2 of 4 stars). 2 submissions from 2 submitters: Uncertain significance (2). Last evaluated 2026-01-06.

Conditions:
Neuroblastoma, susceptibility to, 3. Also called: ALK-Related Neuroblastic Tumor Susceptibility. Identifiers: Orphanet 635, MedGen C2751681, MONDO:0013083, OMIM 613014.
Hereditary cancer-predisposing syndrome. Also called: Hereditary Cancer Syndrome; Hereditary neoplastic syndrome; Neoplastic Syndromes, Hereditary; Tumor predisposition. Identifiers: Orphanet 140162, MedGen C0027672, MeSH D009386, MONDO:0015356.

gnomAD v4.1: 3 of 1,603,736 alleles (0.00019%); highest among the groups gnomAD compares: South Asian, 0.0022%; no homozygotes.

Submissions (2):

Labcorp Genetics (formerly Invitae), Labcorp
Classification: Uncertain significance for Neuroblastoma, susceptibility to, 3. Last evaluated: 2026-01-06. Review status: criteria provided, single submitter. Criteria: Invitae Variant Classification Sherloc (09022015). Collection method: clinical testing. Allele origin: germline.
Comment: This sequence change replaces tryptophan, which is neutral and slightly polar, with serine, which is neutral and polar, at codon 913 of the ALK protein (p.Trp913Ser). This variant is present in population databases (no rsID available, gnomAD 0.01%). This variant has not been reported in the literature in individuals affected with ALK-related conditions. ClinVar contains an entry for this variant (Variation ID: 3522925). An algorithm developed to predict the effect of missense changes on protein structure and function (PolyPhen-2) suggests that this variant is likely to be disruptive. In summary, the available evidence is currently insufficient to determine the role of this variant in disease. Therefore, it has been classified as a Variant of Uncertain Significance.

Ambry Genetics
Classification: Uncertain significance for Hereditary cancer-predisposing syndrome. Last evaluated: 2024-12-06. Review status: criteria provided, single submitter. Criteria: Ambry Variant Classification Scheme 2023. Collection method: clinical testing. Allele origin: germline.
Comment: The p.W913S variant (also known as c.2738G>C), located in coding exon 16 of the ALK gene, results from a G to C substitution at nucleotide position 2738. The tryptophan at codon 913 is replaced by serine, an amino acid with highly dissimilar properties. This amino acid position is conserved. In addition, the in silico prediction for this alteration is inconclusive. Based on the available evidence, the clinical significance of this variant remains unclear.

NM_004304.5(ALK):c.2738G>C (p.Trp913Ser)

Gene: ALK (ALK receptor tyrosine kinase; minus strand). Cytogenetic location: 2p23.2.
Variant type: single nucleotide variant.
Coding change: c.2738G>C on transcript NM_004304.5 (MANE Select); coding-DNA position 2738, G replaced by C.
Protein change: p.Trp913Ser; replaces tryptophan 913 with serine.
Molecular consequence: missense variant.
Genome position (GRCh38, 1-based): chr2:29,228,961, C>G on the plus strand (G>C on the coding strand, the complement: ALK is on the minus strand). VCF-style: chr2-29228961-C-G. GRCh37 (hg19) VCF-style: chr2-29451827-C-G.
Other names: short protein forms W913S.
Identifiers: ClinVar variation 3522925 (VCV003522925.2).